The following is an entry in ClinVar:

NM_015046.7(SETX):c.6448A>G (p.Ile2150Val)

Gene: SETX (senataxin; minus strand). Cytogenetic location: 9q34.13.
Variant type: single nucleotide variant.
Coding change: c.6448A>G on transcript NM_015046.7 (MANE Select); coding-DNA position 6448, A replaced by G.
Protein change: p.Ile2150Val; replaces isoleucine 2150 with valine.
Molecular consequence: missense variant.
Genome position (GRCh38, 1-based): chr9:132,283,362, T>C on the plus strand (A>G on the coding strand, the complement: SETX is on the minus strand). VCF-style: chr9-132283362-T-C. GRCh37 (hg19) VCF-style: chr9-135158749-T-C.
Other names: c.6448A>G, p.Ile2150Val (NM_001351527.2, NM_001351528.2); short protein forms I2150V.
Identifiers: ClinVar variation 3751118 (VCV003751118.3).

ClinVar aggregate classification (germline): Conflicting classifications of pathogenicity. Review status: criteria provided, conflicting classifications (1 of 4 stars). 2 submissions from 2 submitters: Uncertain significance (1); Benign (1). Last evaluated 2025-07-22.

Conditions:
Spinocerebellar ataxia, autosomal recessive, with axonal neuropathy 2 (SCAN2). Also called: ATAXIA-OCULOMOTOR APRAXIA 2; Ataxia with Oculomotor Apraxia Type 2; Ataxia-ocular apraxia-2; Ataxia with Oculomotor Apraxia. Identifiers: Orphanet 64753, MedGen C1853761, MONDO:0018996, OMIM 606002.
Amyotrophic lateral sclerosis type 4 (ALS4). Also called: NEURONOPATHY, DISTAL HEREDITARY MOTOR, WITH PYRAMIDAL FEATURES; AMYOTROPHIC LATERAL SCLEROSIS 4, JUVENILE. Identifiers: Orphanet 357043, MedGen C1865409, MONDO:0011223, OMIM 602433.

gnomAD v4.1: 19 of 1,614,038 alleles (0.0012%); highest among the groups gnomAD compares: South Asian, 0.016%; no homozygotes.

Submissions (2):

GeneDx
Classification: Uncertain significance. Last evaluated: 2025-07-22. Review status: criteria provided, single submitter. Criteria: GeneDx Variant Classification Process June 2021. Collection method: clinical testing. Allele origin: germline. Affected: yes.
Comment: In silico analysis suggests that this missense variant does not alter protein structure/function; Has not been previously published as pathogenic or benign to our knowledge

Labcorp Genetics (formerly Invitae), Labcorp
Classification: Benign for Amyotrophic lateral sclerosis type 4; Spinocerebellar ataxia, autosomal recessive, with axonal neuropathy 2. Last evaluated: 2024-03-13. Review status: criteria provided, single submitter. Criteria: Invitae Variant Classification Sherloc (09022015). Collection method: clinical testing. Allele origin: germline.